The following is an entry in ClinVar:

NM_030777.4(SLC2A10):c.886C>T (p.Arg296Cys)

Gene: SLC2A10 (solute carrier family 2 member 10; plus strand). Cytogenetic location: 20q13.12.
Variant type: single nucleotide variant.
Coding change: c.886C>T on transcript NM_030777.4 (MANE Select); coding-DNA position 886, C replaced by T.
Protein change: p.Arg296Cys; replaces arginine 296 with cysteine.
Molecular consequence: missense variant.
Genome position (GRCh38, 1-based): chr20:46,725,922, C>T. VCF-style: chr20-46725922-C-T. GRCh37 (hg19) VCF-style: chr20-45354561-C-T.
Other names: short protein forms R296C.
Identifiers: ClinVar variation 1059100 (VCV001059100.11), dbSNP rs552106000, ClinGen allele CA315756230.

ClinVar aggregate classification (germline): Uncertain significance. Review status: criteria provided, multiple submitters, no conflicts (2 of 4 stars). 2 submissions from 2 submitters: Uncertain significance (2). Last evaluated 2025-05-07.

Conditions:
Familial thoracic aortic aneurysm and aortic dissection (TAAD). Also called: Thoracic aortic aneurysms and dissections. Identifiers: Orphanet 91387, MedGen C4707243, MONDO:0019625.
Arterial tortuosity syndrome (ATORS). Identifiers: Orphanet 3342, MedGen C1859726, MONDO:0008818, OMIM 208050.

Allele frequency attached by ClinVar (database versions not stated): gnomAD exomes below 0.00001 and 0.00001; gnomAD 0.00001; TOPMed 0.00002.
gnomAD v4.1: 18 of 1,613,898 alleles (0.0011%); highest among the groups gnomAD compares: African/African-American, 0.004%; no homozygotes.

Submissions (2):

Ambry Genetics
Classification: Uncertain significance for Familial thoracic aortic aneurysm and aortic dissection. Last evaluated: 2025-05-07. Review status: criteria provided, single submitter. Criteria: Ambry Variant Classification Scheme 2023. Collection method: clinical testing. Allele origin: germline.
Comment: The p.R296C variant (also known as c.886C>T), located in coding exon 2 of the SLC2A10 gene, results from a C to T substitution at nucleotide position 886. The arginine at codon 296 is replaced by cysteine, an amino acid with highly dissimilar properties. This amino acid position is well conserved in available vertebrate species. In addition, this alteration is predicted to be deleterious by in silico analysis. Since supporting evidence is limited at this time, the clinical significance of this alteration remains unclear.

Labcorp Genetics (formerly Invitae), Labcorp
Classification: Uncertain significance for Arterial tortuosity syndrome. Last evaluated: 2020-03-18. Review status: criteria provided, single submitter. Criteria: Invitae Variant Classification Sherloc (09022015). Collection method: clinical testing. Allele origin: germline.
Comment: Algorithms developed to predict the effect of missense changes on protein structure and function (SIFT, PolyPhen-2, Align-GVGD) all suggest that this variant is likely to be disruptive, but these predictions have not been confirmed by published functional studies and their clinical significance is uncertain. This variant has not been reported in the literature in individuals with SLC2A10-related conditions. This variant is not present in population databases (ExAC no frequency). This sequence change replaces arginine with cysteine at codon 296 of the SLC2A10 protein (p.Arg296Cys). The arginine residue is highly conserved and there is a large physicochemical difference between arginine and cysteine. In summary, the available evidence is currently insufficient to determine the role of this variant in disease. Therefore, it has been classified as a Variant of Uncertain Significance.